The following is an entry in ClinVar:

NM_015001.3(SPEN):c.93C>T (p.Arg31=)

Gene: SPEN (spen family transcriptional repressor; plus strand). Cytogenetic location: 1p36.21.
Variant type: single nucleotide variant.
Coding change: c.93C>T on transcript NM_015001.3 (MANE Select); coding-DNA position 93, C replaced by T.
Protein change: p.Arg31=; no amino-acid change (arginine 31 retained).
Molecular consequence: synonymous variant.
Genome position (GRCh38, 1-based): chr1:15,872,825, C>T. VCF-style: chr1-15872825-C-T. GRCh37 (hg19) VCF-style: chr1-16199320-C-T.
Identifiers: ClinVar variation 3038799 (VCV003038799.11), dbSNP rs150922162, ClinGen allele CA618755.

ClinVar aggregate classification (germline): Likely benign. Review status: criteria provided, multiple submitters, no conflicts (2 of 4 stars). 3 submissions from 3 submitters: Likely benign (2). 1 of the submissions does not count toward it. Last evaluated 2026-05-01.

Conditions:
SPEN-related disorder. Also called: SPEN-related condition.

Allele frequency attached by ClinVar (database versions not stated): 1000 Genomes Project 30x 0.00094; 1000 Genomes Project 0.00100; ExAC 0.00144; ESP Exome Variant Server 0.00161; gnomAD 0.00164; TOPMed 0.00180; gnomAD exomes 0.00392.
gnomAD v4.1: 5,481 of 1,492,066 alleles (0.37%); highest among the groups gnomAD compares: Non-Finnish European, 0.46%; 16 homozygotes.

Submissions (3):

CeGaT Center for Human Genetics Tuebingen
Classification: Likely benign. Last evaluated: 2026-05-01. Review status: criteria provided, single submitter. Criteria: CeGaT Center For Human Genetics Tuebingen Variant Classification Criteria Version 2. Collection method: clinical testing. Allele origin: germline. Affected: yes. Observed: 6 variant alleles.
Comment: SPEN: BP4, BP7, BS2

Blueprint Genetics
Classification: Likely benign. Last evaluated: 2024-11-26. Review status: criteria provided, single submitter. Criteria: ACMG Guidelines, 2015. Collection method: clinical testing. Allele origin: germline.

PreventionGenetics, part of Exact Sciences
Classification: Likely benign for SPEN-related condition. Last evaluated: 2019-04-11. Review status: no assertion criteria provided. Collection method: clinical testing. Allele origin: germline. Not counted in ClinVar's aggregate classification.
Comment: This variant is classified as likely benign based on ACMG/AMP sequence variant interpretation guidelines (Richards et al. 2015 PMID: 25741868, with internal and published modifications).